The following is an entry in ClinVar:

NM_001353812.2(ATP11C):c.1157A>G (p.Asn386Ser)

Gene: ATP11C (ATPase phospholipid transporting 11C (ATP11C blood group); minus strand). Cytogenetic location: Xq27.1.
Variant type: single nucleotide variant.
Coding change: c.1157A>G on transcript NM_001353812.2 (MANE Select); coding-DNA position 1157, A replaced by G.
Protein change: p.Asn386Ser; replaces asparagine 386 with serine.
Molecular consequence: missense variant.
Genome position (GRCh38, 1-based): chrX:139,796,322, T>C on the plus strand (A>G on the coding strand, the complement: ATP11C is on the minus strand). VCF-style: chrX-139796322-T-C. GRCh37 (hg19) VCF-style: chrX-138878481-T-C.
Other names: c.1166A>G, p.Asn389Ser (NM_001010986.3, NM_173694.5); c.1157A>G, p.Asn386Ser (NM_001353810.2, NM_001353811.2); short protein forms N386S, N389S.
Identifiers: ClinVar variation 4851390 (VCV004851390.1).

ClinVar aggregate classification (germline): Likely benign (1 of 4 stars; one submission).

Conditions:
X-linked congenital hemolytic anemia (HACXL). Identifiers: MedGen C4746970, MONDO:0060455, OMIM 301015.

gnomAD v4.1: 1 of 1,208,387 alleles (0.000083%); highest among the groups gnomAD compares: African/African-American, 0.0017%; no homozygotes.

Submission:

Centre for Medical Genetics,  Mumbai
Classification: Likely benign for X-linked congenital hemolytic anemia. Last evaluated: 2026-04-17. Review status: criteria provided, single submitter. Criteria: ACMG Guidelines, 2015. Collection method: provider interpretation. Allele origin: germline. Inheritance: X-linked recessive inheritance. Affected: no. Observed: 1 variant allele, 1 homozygote.
Comment: The variant satisfies PM2 criteria - extremely low frequency in gnomAD population databases. The variant satisfies BP4 criteria - for a missense or a splice region variant, computational prediction tools unanimously support a benign effect on the gene. However, the variant satisfies BS2 criteria - present in homozygous state in an individual that clinically does not have hemolytic anemia, congenital, X-linked.

Literature cited by the submitters: PubMed 26944472.